The following is an entry in ClinVar:

NM_001385641.1(SAMD11):c.1334C>T (p.Ala445Val)

Gene: SAMD11 (sterile alpha motif domain containing 11; plus strand). Cytogenetic location: 1p36.33.
Variant type: single nucleotide variant.
Coding change: c.1334C>T on transcript NM_001385641.1 (MANE Select); coding-DNA position 1334, C replaced by T.
Protein change: p.Ala445Val; replaces alanine 445 with valine.
Molecular consequence: missense variant.
Genome position (GRCh38, 1-based): chr1:941,282, C>T. VCF-style: chr1-941282-C-T. GRCh37 (hg19) VCF-style: chr1-876662-C-T.
Other names: c.1337C>T, p.Ala446Val (NM_001385640.1); c.845C>T, p.Ala282Val (NM_152486.4); short protein forms A282V, A445V, A446V.
Identifiers: ClinVar variation 1497967 (VCV001497967.8), dbSNP rs1569909178, ClinGen allele CA337803985.

ClinVar aggregate classification (germline): Uncertain significance (1 of 4 stars; one submission).

Submission:

Labcorp Genetics (formerly Invitae), Labcorp
Classification: Uncertain significance. Last evaluated: 2021-03-03. Review status: criteria provided, single submitter. Criteria: Invitae Variant Classification Sherloc (09022015). Collection method: clinical testing. Allele origin: germline.
Comment: Algorithms developed to predict the effect of missense changes on protein structure and function are either unavailable or do not agree on the potential impact of this missense change (SIFT: "Deleterious"; PolyPhen-2: "Benign"; Align-GVGD: "Class C0"). In summary, the available evidence is currently insufficient to determine the role of this variant in disease. Therefore, it has been classified as a Variant of Uncertain Significance. This variant has not been reported in the literature in individuals with SAMD11-related conditions. This variant is not present in population databases (ExAC no frequency). This sequence change replaces alanine with valine at codon 282 of the SAMD11 protein (p.Ala282Val). The alanine residue is moderately conserved and there is a small physicochemical difference between alanine and valine.